The following is an entry in ClinVar:

ClinVar aggregate classification (germline): Uncertain significance (1 of 4 stars; one submission).

Conditions:
Hypertrophic cardiomyopathy. Also called: HYPERTROPHIC MYOCARDIOPATHY. Identifiers: Orphanet 217569, MedGen C0007194, MeSH D002312, MONDO:0005045, HP:0001639.

Allele frequency attached by ClinVar (database versions not stated): gnomAD exomes below 0.00001.
gnomAD v4.1: 1 of 1,614,152 alleles (0.000062%); highest among the groups gnomAD compares: Non-Finnish European, 0.000085%; no homozygotes.

Submission:

Labcorp Genetics (formerly Invitae), Labcorp
Classification: Uncertain significance for Hypertrophic cardiomyopathy. Last evaluated: 2024-02-23. Review status: criteria provided, single submitter. Criteria: Invitae Variant Classification Sherloc (09022015). Collection method: clinical testing. Allele origin: germline.
Comment: This sequence change falls in intron 5 of the MYL3 gene. It does not directly change the encoded amino acid sequence of the MYL3 protein. It affects a nucleotide within the consensus splice site. This variant is not present in population databases (gnomAD no frequency). This variant has been observed in individual(s) with hypertrophic cardiomyopathy (PMID: 31737537). ClinVar contains an entry for this variant (Variation ID: 1408378). Variants that disrupt the consensus splice site are a relatively common cause of aberrant splicing (PMID: 17576681, 9536098). Algorithms developed to predict the effect of sequence changes on RNA splicing suggest that this variant may disrupt the consensus splice site. In summary, the available evidence is currently insufficient to determine the role of this variant in disease. Therefore, it has been classified as a Variant of Uncertain Significance.

Literature cited by the submitters: PubMed 31737537; PubMed 17576681; PubMed 9536098.

NM_000258.3(MYL3):c.560-1G>C

Gene: MYL3 (myosin light chain 3; minus strand). Cytogenetic location: 3p21.31.
Variant type: single nucleotide variant.
Coding change: c.560-1G>C on transcript NM_000258.3 (MANE Select); the canonical splice acceptor site of the intron before coding-DNA position 560, G replaced by C.
Molecular consequence: splice acceptor variant.
Genome position (GRCh38, 1-based): chr3:46,858,273, C>G on the plus strand (G>C on the coding strand, the complement: MYL3 is on the minus strand). VCF-style: chr3-46858273-C-G. GRCh37 (hg19) VCF-style: chr3-46899763-C-G.
Other names: c.560-1G>C (NM_001406939.1, NM_001406938.1, NM_001406937.1); c.386-1G>C (NM_001406940.1); c.371-1G>C (NM_001406941.1).
Identifiers: ClinVar variation 1408378 (VCV001408378.8), dbSNP rs1701953138, ClinGen allele CA352495155.
Genomic context (GRCh38, chr3:46,858,273, plus strand): 5'-GAGGGAGTGGGTGCCTACCTGGGCACGAGGTTTAGCTGGACATGATGTGCTTCACAAATG[C>G]TGGAAAGAAGAGGAGAGTGAGTGGCAGGAGTGCAACATGGGGAAGCCATGGCTGGGAGCC-3'